The following is an entry in ClinVar:

ClinVar aggregate classification (germline): Conflicting classifications of pathogenicity. Review status: criteria provided, conflicting classifications (1 of 4 stars). 3 submissions from 3 submitters: Likely pathogenic (1); Uncertain significance (1). 1 of the submissions does not count toward it. Last evaluated 2023-09-10.

Conditions:
Unilateral microphthalmos. Identifiers: MedGen C3640024, HP:0011480.
Microphthalmia. Also called: Microphthalmos. Identifiers: MedGen C0026010, MONDO:0021129, HP:0000568.
Congenital ocular coloboma. Also called: COLOBOMA OF IRIS, CHOROID, AND RETINA; COLOBOMA, UVEORETINAL; Coloboma of eye; Coloboma. Identifiers: Orphanet 194, MedGen C0009363, MONDO:0001476, HP:0000589.

Allele frequency attached by ClinVar (database versions not stated): gnomAD exomes below 0.00001; TOPMed below 0.00001.
gnomAD v4.1: 2 of 1,613,852 alleles (0.00012%); highest among the groups gnomAD compares: Non-Finnish European, 0.00017%; no homozygotes.

Submissions (3):

Labcorp Genetics (formerly Invitae), Labcorp
Classification: Uncertain significance. Last evaluated: 2023-09-10. Review status: criteria provided, single submitter. Criteria: Invitae Variant Classification Sherloc (09022015). Collection method: clinical testing. Allele origin: germline.
Comment: In summary, the available evidence is currently insufficient to determine the role of this variant in disease. Therefore, it has been classified as a Variant of Uncertain Significance. An algorithm developed to predict the effect of missense changes on protein structure and function (PolyPhen-2) suggests that this variant is likely to be disruptive. ClinVar contains an entry for this variant (Variation ID: 430902). This missense change has been observed in individual(s) with autosomal dominant microphthalmia (PMID: 29178648). This variant is not present in population databases (gnomAD no frequency). This sequence change replaces tyrosine, which is neutral and polar, with asparagine, which is neutral and polar, at codon 132 of the RBP4 protein (p.Tyr132Asn).

Genetics Department, University Hospital of Toulouse
Classification: Likely pathogenic for Unilateral microphthalmos. Last evaluated: 2022-12-06. Review status: criteria provided, single submitter. Criteria: ACMG Guidelines, 2015. Collection method: clinical testing. Allele origin: germline. Affected: yes. Observed: 2 variant alleles.
Comment: PM2, PP2, PP3, PP5

Fundació de Recerca de l'Institut de Microcirurgia Ocular
Classification: Pathogenic for Microphthalmia; Coloboma. Last evaluated: 2017-04-01. Review status: no assertion criteria provided. Collection method: clinical testing. Allele origin: unknown. Affected: yes. Not counted in ClinVar's aggregate classification.

Literature cited by the submitters: PubMed 29178648 (cited by 3 submitters).

NM_006744.4(RBP4):c.394T>A (p.Tyr132Asn)

Gene: RBP4 (retinol binding protein 4; minus strand). Cytogenetic location: 10q23.33.
Variant type: single nucleotide variant.
Coding change: c.394T>A on transcript NM_006744.4 (MANE Select); coding-DNA position 394, T replaced by A.
Protein change: p.Tyr132Asn; replaces tyrosine 132 with asparagine.
Molecular consequence: missense variant.
Genome position (GRCh38, 1-based): chr10:93,593,997, A>T on the plus strand (T>A on the coding strand, the complement: RBP4 is on the minus strand). VCF-style: chr10-93593997-A-T. GRCh37 (hg19) VCF-style: chr10-95353754-A-T.
Other names: c.394T>A, p.Tyr132Asn (NM_001323517.1); c.388T>A, p.Tyr130Asn (NM_001323518.2); short protein forms Y132N, Y130N.
Identifiers: ClinVar variation 430902 (VCV000430902.30), dbSNP rs1329285216, ClinGen allele CA377615871.